The following is an entry in ClinVar:

ClinVar aggregate classification (germline): Conflicting classifications of pathogenicity. Review status: criteria provided, conflicting classifications (1 of 4 stars). 3 submissions from 3 submitters: Uncertain significance (1); Likely benign (2). Last evaluated 2025-11-05.

Conditions:
Hereditary cancer-predisposing syndrome. Also called: Tumor predisposition; Hereditary Cancer Syndrome; Neoplastic Syndromes, Hereditary; Hereditary neoplastic syndrome. Identifiers: Orphanet 140162, MedGen C0027672, MeSH D009386, MONDO:0015356.
Gorlin syndrome. Also called: Basal cell nevus syndrome; Nevoid Basal Cell Carcinoma Syndrome. Identifiers: Orphanet 377, MedGen C0004779, MONDO:0007187.

Allele frequency attached by ClinVar (database versions not stated): gnomAD exomes below 0.00001; TOPMed 0.00001.
gnomAD v4.1: 1 of 1,614,162 alleles (0.000062%); highest among the groups gnomAD compares: Admixed American, 0.0017%; no homozygotes.

Submissions (3):

Labcorp Genetics (formerly Invitae), Labcorp
Classification: Likely benign for Gorlin syndrome. Last evaluated: 2025-11-05. Review status: criteria provided, single submitter. Criteria: Invitae Variant Classification Sherloc (09022015). Collection method: clinical testing. Allele origin: germline.

Quest Diagnostics Nichols Institute San Juan Capistrano
Classification: Uncertain significance. Last evaluated: 2023-12-15. Review status: criteria provided, single submitter. Criteria: Quest Diagnostics criteria. Collection method: clinical testing. Allele origin: unknown.
Comment: The PTCH1 c.4200C>T (p.Gly1400=) synonymous variant has not been reported in individuals with PTCH1-related conditions in the published literature. It also has not been reported in large, multi-ethnic general populations (Genome Aggregation Database). Analysis of this variant using software algorithms for the prediction of the effect of nucleotide changes on splicing yielded predictions that this variant does not affect PTCH1 mRNA splicing. Based on the available information, we are unable to determine the clinical significance of this variant.

Ambry Genetics
Classification: Likely benign for Hereditary cancer-predisposing syndrome. Last evaluated: 2020-10-19. Review status: criteria provided, single submitter. Criteria: Ambry Variant Classification Scheme 2023. Collection method: clinical testing. Allele origin: germline.

NM_000264.5(PTCH1):c.4200C>T (p.Gly1400=)

Gene: PTCH1 (patched 1; minus strand). Cytogenetic location: 9q22.32.
Variant type: single nucleotide variant.
Coding change: c.4200C>T on transcript NM_000264.5 (MANE Select); coding-DNA position 4200, C replaced by T.
Protein change: p.Gly1400=; no amino-acid change (glycine 1400 retained).
Molecular consequence: synonymous variant. On other transcripts: non-coding transcript variant (1).
Genome position (GRCh38, 1-based): chr9:95,447,056, G>A on the plus strand (C>T on the coding strand, the complement: PTCH1 is on the minus strand). VCF-style: chr9-95447056-G-A. GRCh37 (hg19) VCF-style: chr9-98209338-G-A.
Other names: c.4002C>T, p.Gly1334= (NM_001083602.3); c.4197C>T, p.Gly1399= (NM_001083603.3); c.3747C>T, p.Gly1249= (NM_001083604.3, NM_001083605.3, NM_001083606.3 and 1 more transcripts); c.4044C>T, p.Gly1348= (NM_001354918.2); c.4200C>T (NM_000264.4).
Identifiers: ClinVar variation 453885 (VCV000453885.14), dbSNP rs1554688167, ClinGen allele CA466351318.
Genomic context (GRCh38, chr9:95,447,056, plus strand): 5'-ACACCGGACGTGGAAAGGCACGTGGGGGTCCTCAAACAGGCCGTGGTCAGTCTCAGGGTA[G>A]CCTGGGCAGAGTCCCCCTCGGGGGTTCCGCCCAGGCCCAGGGACAGGCGGCGGGTGCACG-3'
Protein context (NP_000255.2, residues 1390-1410): GRNPRGGLCP[Gly1400=]YPETDHGLFE